The following is an entry in ClinVar:

NM_001330311.2(DVL1):c.1649C>T (p.Pro550Leu)

Gene: DVL1 (dishevelled segment polarity protein 1; minus strand). Cytogenetic location: 1p36.33.
Variant type: single nucleotide variant.
Coding change: c.1649C>T on transcript NM_001330311.2 (MANE Select); coding-DNA position 1649, C replaced by T.
Protein change: p.Pro550Leu; replaces proline 550 with leucine.
Molecular consequence: missense variant.
Genome position (GRCh38, 1-based): chr1:1,338,042, G>A on the plus strand (C>T on the coding strand, the complement: DVL1 is on the minus strand). VCF-style: chr1-1338042-G-A. GRCh37 (hg19) VCF-style: chr1-1273422-G-A.
Other names: c.1574C>T, p.Pro525Leu (NM_004421.3); c.1574C>T (NM_004421.2); short protein forms P525L, P550L.
Identifiers: ClinVar variation 1450264 (VCV001450264.7), dbSNP rs375584920, ClinGen allele CA519980.

ClinVar aggregate classification (germline): Uncertain significance. Review status: criteria provided, multiple submitters, no conflicts (2 of 4 stars). 2 submissions from 2 submitters: Uncertain significance (2). Last evaluated 2023-06-29.

Conditions:
Inborn genetic diseases. Identifiers: MedGen C0950123, MeSH D030342.

Allele frequency attached by ClinVar (database versions not stated): TOPMed below 0.00001; gnomAD exomes 0.00003; ExAC 0.00005; ESP Exome Variant Server 0.00008.
gnomAD v4.1: 14 of 1,611,712 alleles (0.00087%); highest among the groups gnomAD compares: South Asian, 0.0066%; no homozygotes.

Submissions (2):

Ambry Genetics
Classification: Uncertain significance for Inborn genetic diseases. Last evaluated: 2023-06-29. Review status: criteria provided, single submitter. Criteria: Ambry Variant Classification Scheme 2023. Collection method: clinical testing. Allele origin: germline.

Labcorp Genetics (formerly Invitae), Labcorp
Classification: Uncertain significance. Last evaluated: 2022-10-05. Review status: criteria provided, single submitter. Criteria: Invitae Variant Classification Sherloc (09022015). Collection method: clinical testing. Allele origin: germline.
Comment: In summary, the available evidence is currently insufficient to determine the role of this variant in disease. Therefore, it has been classified as a Variant of Uncertain Significance. Advanced modeling of protein sequence and biophysical properties (such as structural, functional, and spatial information, amino acid conservation, physicochemical variation, residue mobility, and thermodynamic stability) performed at Invitae indicates that this missense variant is not expected to disrupt DVL1 protein function. ClinVar contains an entry for this variant (Variation ID: 1450264). This variant has not been reported in the literature in individuals affected with DVL1-related conditions. This variant is present in population databases (rs375584920, gnomAD 0.02%). This sequence change replaces proline, which is neutral and non-polar, with leucine, which is neutral and non-polar, at codon 525 of the DVL1 protein (p.Pro525Leu).